The following is an entry in ClinVar:

NC_000015.9:g.(?_50999997)_(51028419_?)dup

Gene: SPPL2A (signal peptide peptidase like 2A; minus strand). Cytogenetic location: 15q21.2.
Variant type: Duplication.
Identifiers: ClinVar variation 2427070 (VCV002427070.4).

ClinVar aggregate classification (germline): Uncertain significance (1 of 4 stars; one submission).

Submission:

Labcorp Genetics (formerly Invitae), Labcorp
Classification: Uncertain significance. Last evaluated: 2022-07-06. Review status: criteria provided, single submitter. Criteria: Invitae Variant Classification Sherloc (09022015). Collection method: clinical testing. Allele origin: germline.
Comment: In summary, the available evidence is currently insufficient to determine the role of this variant in disease. Therefore, it has been classified as a Variant of Uncertain Significance. This variant has not been reported in the literature in individuals affected with SPPL2A-related conditions. This variant results in a copy number gain of the genomic region encompassing exon(s) 8-15 of the SPPL2A gene. This region includes the termination codon of the gene. This copy number gain extends beyond the assayed region for this gene and therefore may encompass additional genes. As the precise location of this event is unknown, it may be in tandem or it may be located elsewhere in the genome.